The following is an entry in ClinVar:

ClinVar aggregate classification (germline): Uncertain significance. Review status: criteria provided, multiple submitters, no conflicts (2 of 4 stars). 3 submissions from 3 submitters: Uncertain significance (3). Last evaluated 2026-01-11.

Conditions:
Hereditary cancer-predisposing syndrome. Also called: Neoplastic Syndromes, Hereditary; Hereditary Cancer Syndrome; Tumor predisposition; Hereditary neoplastic syndrome. Identifiers: Orphanet 140162, MedGen C0027672, MeSH D009386, MONDO:0015356.

Submissions (3):

Ambry Genetics
Classification: Uncertain significance for Hereditary cancer-predisposing syndrome. Last evaluated: 2026-01-11. Review status: criteria provided, single submitter. Criteria: Ambry Variant Classification Scheme 2023. Collection method: clinical testing. Allele origin: germline.
Comment: The p.V184M variant (also known as c.550G>A), located in coding exon 4 of the CTNNA1 gene, results from a G to A substitution at nucleotide position 550. The valine at codon 184 is replaced by methionine, an amino acid with highly similar properties. This amino acid position is conserved. In addition, this alteration is predicted to be tolerated by in silico analysis. Based on the available evidence, the clinical significance of this variant remains unclear.

Labcorp Genetics (formerly Invitae), Labcorp
Classification: Uncertain significance. Last evaluated: 2024-04-02. Review status: criteria provided, single submitter. Criteria: Invitae Variant Classification Sherloc (09022015). Collection method: clinical testing. Allele origin: germline.
Comment: This sequence change replaces valine, which is neutral and non-polar, with methionine, which is neutral and non-polar, at codon 184 of the CTNNA1 protein (p.Val184Met). This variant is not present in population databases (gnomAD no frequency). This variant has not been reported in the literature in individuals affected with CTNNA1-related conditions. ClinVar contains an entry for this variant (Variation ID: 2041204). Advanced modeling of protein sequence and biophysical properties (such as structural, functional, and spatial information, amino acid conservation, physicochemical variation, residue mobility, and thermodynamic stability) performed at Invitae indicates that this missense variant is not expected to disrupt CTNNA1 protein function with a negative predictive value of 80%. In summary, the available evidence is currently insufficient to determine the role of this variant in disease. Therefore, it has been classified as a Variant of Uncertain Significance.

Blueprint Genetics
Classification: Uncertain significance. Last evaluated: 2023-06-09. Review status: criteria provided, single submitter. Criteria: ACMG Guidelines, 2015. Collection method: clinical testing. Allele origin: germline.

NM_001903.5(CTNNA1):c.550G>A (p.Val184Met)

Gene: CTNNA1 (catenin alpha 1; plus strand). Cytogenetic location: 5q31.2.
Variant type: single nucleotide variant.
Coding change: c.550G>A on transcript NM_001903.5 (MANE Select); coding-DNA position 550, G replaced by A.
Protein change: p.Val184Met; replaces valine 184 with methionine.
Molecular consequence: missense variant.
Genome position (GRCh38, 1-based): chr5:138,812,264, G>A. VCF-style: chr5-138812264-G-A. GRCh37 (hg19) VCF-style: chr5-138147953-G-A.
Other names: c.550G>A, p.Val184Met (NM_001290307.3, NM_001323982.2, NM_001323983.1 and 3 more transcripts); c.241G>A, p.Val81Met (NM_001290309.3); c.181G>A, p.Val61Met (NM_001290310.3); c.550G>A (NM_001903.2); short protein forms V81M, V61M, V184M.
Identifiers: ClinVar variation 2041204 (VCV002041204.6), dbSNP rs2532349080, ClinGen allele CA361125449.
Genomic context (GRCh38, chr5:138,812,264, plus strand): 5'-TTGAGGAATGCTGGCAATGAACAAGACTTAGGAATCCAGTATAAAGCCCTAAAACCTGAA[G>A]TGGATAAGCTGAACATTATGGCAGCCAAAAGACAACAGGTACAGTCATGATTTGGGGATA-3'
Protein context (NP_001894.2, residues 174-194): GIQYKALKPE[Val184Met]DKLNIMAAKR